The following is an entry in ClinVar:

NC_000016.10:g.67660264G>T

Gene: ACD (ACD shelterin complex subunit and telomerase recruitment factor; minus strand). Cytogenetic location: 16q22.1.
Variant type: single nucleotide variant.
Genome position: GRCh38 VCF-style: chr16-67660264-G-T. GRCh37 (hg19) VCF-style: chr16-67694167-G-T.
Other names: short protein forms A72E.
Identifiers: ClinVar variation 1062870 (VCV001062870.10), dbSNP rs765105630, ClinGen allele CA8114874.

ClinVar aggregate classification (germline): Uncertain significance. Review status: criteria provided, multiple submitters, no conflicts (2 of 4 stars). 3 submissions from 3 submitters: Uncertain significance (3). Last evaluated 2025-09-25.

Conditions:
Dyskeratosis congenita, autosomal dominant 6 (DKCA6). Identifiers: Orphanet 3322, MedGen C4225284, MONDO:0014690, OMIM 616553.
Inborn genetic diseases. Identifiers: MedGen C0950123, MeSH D030342.

Allele frequency attached by ClinVar (database versions not stated): gnomAD exomes 0.00001.

Submissions (3):

Labcorp Genetics (formerly Invitae), Labcorp
Classification: Uncertain significance for Dyskeratosis congenita, autosomal dominant 6. Last evaluated: 2025-09-25. Review status: criteria provided, single submitter. Criteria: Invitae Variant Classification Sherloc (09022015). Collection method: clinical testing. Allele origin: germline.
Comment: This sequence change replaces alanine, which is neutral and non-polar, with glutamic acid, which is acidic and polar, at codon 72 of the ACD protein (p.Ala72Glu). This variant is present in population databases (rs765105630, gnomAD 0.0009%). This missense change has been observed in individual(s) with clinical features of dyskeratosis congenita (PMID: 31515401). ClinVar contains an entry for this variant (Variation ID: 1062870). An algorithm developed to predict the effect of missense changes on protein structure and function (PolyPhen-2) suggests that this variant is likely to be tolerated. In summary, the available evidence is currently insufficient to determine the role of this variant in disease. Therefore, it has been classified as a Variant of Uncertain Significance.

Ambry Genetics
Classification: Uncertain significance for Inborn genetic diseases. Last evaluated: 2022-03-08. Review status: criteria provided, single submitter. Criteria: Ambry Variant Classification Scheme 2023. Collection method: clinical testing. Allele origin: germline.

Blueprint Genetics
Classification: Uncertain significance. Last evaluated: 2022-01-20. Review status: criteria provided, single submitter. Criteria: ACMG Guidelines, 2015. Collection method: clinical testing. Allele origin: germline.

Literature cited by the submitters: PubMed 31515401 (cited by Labcorp Genetics (formerly Invitae), Labcorp and Ambry Genetics).